The following is an entry in ClinVar:

NC_000014.8:g.(?_102880963)_(102894729_?)del

Gene: TECPR2 (tectonin beta-propeller repeat containing 2; plus strand). Cytogenetic location: 14q32.31.
Variant type: Deletion.
Identifiers: ClinVar variation 2425980 (VCV002425980.6).

ClinVar aggregate classification (germline): Pathogenic (1 of 4 stars; one submission).

Conditions:
Hereditary spastic paraplegia 49 (HSAN9). Also called: NEUROPATHY, HEREDITARY SENSORY AND AUTONOMIC, TYPE IX, WITH DEVELOPMENTAL DELAY; Spastic paraplegia 49, autosomal recessive; TECPR2-Related Hereditary Sensory and Autonomic Neuropathy with Intellectual Disability. Identifiers: Orphanet 320385, MedGen C5190860, MONDO:0014016, OMIM 615031.

Submission:

Labcorp Genetics (formerly Invitae), Labcorp
Classification: Pathogenic for Hereditary spastic paraplegia 49. Last evaluated: 2022-01-15. Review status: criteria provided, single submitter. Criteria: Invitae Variant Classification Sherloc (09022015). Collection method: clinical testing. Allele origin: germline.
Comment: This variant is a gross deletion of the genomic region encompassing exon(s) 5-7 of the TECPR2 gene. This deletion is out-of-frame, and is expected to create a premature termination codon and result in an absent or disrupted protein product. Loss-of-function variants in TECPR2 are known to be pathogenic (PMID: 23176824, 25590979). For these reasons, this variant has been classified as Pathogenic. This variant has not been reported in the literature in individuals affected with TECPR2-related conditions.

Literature cited by the submitters: PubMed 23176824; PubMed 25590979.